The following is an entry in ClinVar:

ClinVar aggregate classification (germline): Pathogenic/Likely pathogenic. Review status: criteria provided, multiple submitters, no conflicts (2 of 4 stars). 4 submissions from 4 submitters: Pathogenic (1); Likely pathogenic (2). 1 of the submissions does not count toward it. Last evaluated 2026-01-27.

Conditions:
Hereditary antithrombin deficiency (AT3D). Also called: Antithrombin III deficiency; Thrombophilia due to antithrombin III deficiency; Reduced antithrombin III activity; Antithrombin deficiency. Identifiers: Orphanet 82, MedGen C0272375, MONDO:0013144, OMIM 613118, HP:0001976.

Allele frequency attached by ClinVar (database versions not stated): gnomAD below 0.00001 and 0.00001; TOPMed below 0.00001; ExAC 0.00002; gnomAD exomes 0.00002 and 0.00003.
gnomAD v4.1: 38 of 1,613,974 alleles (0.0024%); highest among the groups gnomAD compares: South Asian, 0.0066%; no homozygotes.

Submissions (4):

Labcorp Genetics (formerly Invitae), Labcorp
Classification: Pathogenic for Hereditary antithrombin deficiency. Last evaluated: 2026-01-27. Review status: criteria provided, single submitter. Criteria: Invitae Variant Classification Sherloc (09022015). Collection method: clinical testing. Allele origin: germline.
Comment: This sequence change replaces arginine, which is basic and polar, with cysteine, which is neutral and slightly polar, at codon 56 of the SERPINC1 protein (p.Arg56Cys). This variant is present in population databases (rs28929469, gnomAD 0.003%). This missense change has been observed in individuals with clinical features of antithrombin deficiency (PMID: 2615648, 21264449, 23809926, 28300866, 28607330; internal data). This variant is also known as c.2534C>T or p.Arg24Cys. ClinVar contains an entry for this variant (Variation ID: 18022). Invitae Evidence Modeling of protein sequence and biophysical properties (such as structural, functional, and spatial information, amino acid conservation, physicochemical variation, residue mobility, and thermodynamic stability) indicates that this missense variant is expected to disrupt SERPINC1 protein function with a positive predictive value of 95%. For these reasons, this variant has been classified as Pathogenic.

Fulgent Genetics
Classification: Likely pathogenic for Hereditary antithrombin deficiency. Last evaluated: 2021-08-26. Review status: criteria provided, single submitter. Criteria: ACMG Guidelines, 2015. Collection method: clinical testing. Allele origin: unknown.

GeneDx
Classification: Likely pathogenic. Last evaluated: 2016-10-07. Review status: criteria provided, single submitter. Criteria: GeneDx Variant Classification (06012015). Collection method: clinical testing. Allele origin: germline. Affected: yes.
Comment: The R56C variant in the SERPINC1 gene has been reported previously in the heterozygous state in multiple unrelated individuals with type II heparin binding site AT deficiency (Borg et al., 1990; Maruyama et al., 2013; Brutkowski et al., 2015). The R56C variant was not observed in approximately 6,500 individuals of European and African American ancestry in the NHLBI Exome Sequencing Project, indicating it is not a common benign variant in these populations. In vitro expression studies have shown that this variant is associated with reduced AT activity (Maruyama et al., 2013). The R56C variant is a non-conservative amino acid substitution, which is likely to impact secondary protein structure as these residues differ in polarity, charge, size and/or other properties, and it occurs at a position that is conserved across species. The R56C variant is a strong candidate for a pathogenic variant, however the possibility it may be a rare benign variant cannot be excluded.

OMIM
Classification: Pathogenic for THROMBOPHILIA DUE TO ANTITHROMBIN III DEFICIENCY. Last evaluated: 1988-04-01. Review status: no assertion criteria provided. Collection method: literature only. Allele origin: germline. Not counted in ClinVar's aggregate classification.

Literature cited by the submitters: PubMed 2615648 (cited by Labcorp Genetics (formerly Invitae), Labcorp); PubMed 21264449 (cited by Labcorp Genetics (formerly Invitae), Labcorp); PubMed 23809926 (cited by Labcorp Genetics (formerly Invitae), Labcorp); PubMed 28300866 (cited by Labcorp Genetics (formerly Invitae), Labcorp); PubMed 28607330 (cited by Labcorp Genetics (formerly Invitae), Labcorp); PubMed 3350974 (cited by OMIM).

NM_000488.4(SERPINC1):c.166C>T (p.Arg56Cys)

Gene: SERPINC1 (serpin family C member 1; minus strand). Cytogenetic location: 1q25.1.
Variant type: single nucleotide variant.
Coding change: c.166C>T on transcript NM_000488.4 (MANE Select); coding-DNA position 166, C replaced by T.
Protein change: p.Arg56Cys; replaces arginine 56 with cysteine.
Molecular consequence: missense variant.
Genome position (GRCh38, 1-based): chr1:173,914,795, G>A on the plus strand (C>T on the coding strand, the complement: SERPINC1 is on the minus strand). VCF-style: chr1-173914795-G-A. GRCh37 (hg19) VCF-style: chr1-173883933-G-A.
Other names: R24C; c.22C>T, p.Arg8Cys (NM_001365052.2); c.166C>T, p.Arg56Cys (NM_001386302.1, NM_001386304.1, NM_001386305.1 and 1 more transcripts); c.247C>T, p.Arg83Cys (NM_001386303.1); short protein forms R56C, R8C, R83C.
Identifiers: ClinVar variation 18022 (VCV000018022.4), dbSNP rs28929469, ClinGen allele CA210772.
Genomic context (GRCh38, chr1:173,914,795, plus strand): 5'-TGGCCTCCGGGATCTTCTGTTCTGAGCCCTCATCCTCAGTTGCCTTCTTCTCCGGGGAGC[G>A]GTAAATGCACATGGGATTCATGGGAATGTCCCGCGGCTTGGCTGTGCAGATGTCCACAGG-3'
Protein context (NP_000479.1, residues 46-66): DIPMNPMCIY[Arg56Cys]SPEKKATEDE